The following is an entry in ClinVar:

ClinVar aggregate classification (germline): Uncertain significance. Review status: criteria provided, multiple submitters, no conflicts (2 of 4 stars). 2 submissions from 2 submitters: Uncertain significance (2). Last evaluated 2025-05-17.

Conditions:
Inborn genetic diseases. Identifiers: MedGen C0950123, MeSH D030342.

Submissions (2):

Ambry Genetics
Classification: Uncertain significance for Inborn genetic diseases. Last evaluated: 2025-05-17. Review status: criteria provided, single submitter. Criteria: Ambry Variant Classification Scheme 2023. Collection method: clinical testing. Allele origin: germline.
Comment: The p.G1204W variant (also known as c.3610G>T), located in coding exon 1 of the SAMD9 gene, results from a G to T substitution at nucleotide position 3610. The glycine at codon 1204 is replaced by tryptophan, an amino acid with highly dissimilar properties. This amino acid position is conserved. In addition, this alteration is predicted to be tolerated by in silico analysis. Based on the available evidence, the clinical significance of this variant remains unclear.

Genetic Services Laboratory, University of Chicago
Classification: Uncertain significance. Last evaluated: 2018-11-25. Review status: criteria provided, single submitter. Criteria: ACMG Guidelines, 2015. Collection method: clinical testing. Allele origin: germline. Affected: no.

NM_017654.4(SAMD9):c.3610G>T (p.Gly1204Trp)

Gene: SAMD9 (sterile alpha motif domain containing 9; minus strand). Cytogenetic location: 7q21.2.
Variant type: single nucleotide variant.
Coding change: c.3610G>T on transcript NM_017654.4 (MANE Select); coding-DNA position 3610, G replaced by T.
Protein change: p.Gly1204Trp; replaces glycine 1204 with tryptophan.
Molecular consequence: missense variant.
Genome position (GRCh38, 1-based): chr7:93,102,488, C>A on the plus strand (G>T on the coding strand, the complement: SAMD9 is on the minus strand). VCF-style: chr7-93102488-C-A. GRCh37 (hg19) VCF-style: chr7-92731801-C-A.
Other names: c.3610G>T, p.Gly1204Trp (NM_001193307.2); short protein forms G1204W.
Identifiers: ClinVar variation 1336929 (VCV001336929.5), dbSNP rs2116414400, ClinGen allele CA368184108.
Genomic context (GRCh38, chr7:93,102,488, plus strand): 5'-ATAGCTCATTTTTATTATCAAAAAAAGGAATGAGCTGGAGAATTTGGATTGTGTAAAGCC[C>A]AACTTCTATCTCTCCTTGATAACCAGCTATATTGTAAGTATCATACCGCCTTTTTGACTT-3'
Protein context (NP_060124.2, residues 1194-1214): IAGYQGEIEV[Gly1204Trp]LYTIQILQLI